The following is an entry in ClinVar:

NM_017946.4(FKBP14):c.467_468del (p.Leu155_Ser156insTer)

Genes: FKBP14 (FKBP prolyl isomerase 14; minus strand), FKBP14-AS1 (FKBP14 antisense RNA 1; plus strand). Cytogenetic location: 7p14.3.
Variant type: Microsatellite.
Coding change: c.467_468del on transcript NM_017946.4 (MANE Select); coding-DNA positions 467 to 468, 2 bases deleted (CT; older notation c.467_468delCT).
Protein change: p.Leu155_Ser156insTer.
Molecular consequence: nonsense. On other transcripts: non-coding transcript variant (2).
Genome position (GRCh38, 1-based): chr7:30,019,005-30,019,006, AG deleted on the plus strand (CT on the coding strand, the reverse complement: FKBP14 is on the minus strand); deleting any 2 consecutive bases within chr7:30,019,005-30,019,010 gives the same sequence; the c. name uses the placement nearest the transcript's 3' end. VCF-style (leftmost placement, unchanged base first): chr7-30019004-TAG-T. GRCh37 (hg19) VCF-style: chr7-30058620-TAG-T.
Other names: p.Ser156*; c.467_468delCT (NM_017946.4, NM_017946.3); c.467_468del (NM_017946.3).
Identifiers: ClinVar variation 521060 (VCV000521060.12), dbSNP rs753775062, ClinGen allele CA4203404.
Genomic context (GRCh38, chr7:30,019,004, plus strand): 5'-CCCAAACAACCAAAGAAAAGTAGAAAGAGGAGTAGGAAGAAGGAAAGGTCACCTCATCTT[TAG>T]AGAGTTTCCAGTCATCATTAAGATCCATTTCTTGGAATGATTCATGGGATCTTGGTCCAT-3'

ClinVar aggregate classification (germline): Conflicting classifications of pathogenicity. Review status: criteria provided, conflicting classifications (1 of 4 stars). 6 submissions from 6 submitters: Likely pathogenic (4); Uncertain significance (2). Last evaluated 2026-06-10.

Conditions:
Cardiovascular phenotype. Identifiers: MedGen CN230736.
Ehlers-Danlos syndrome, kyphoscoliotic type, 2. Also called: Ehlers-Danlos syndrome, kyphoscoliotic and deafness type; Ehlers-Danlos syndrome with progressive kyphoscoliosis, myopathy, and hearing loss; FKBP14-Kyphoscoliotic Ehlers-Danlos Syndrome. Identifiers: Orphanet 300179, MedGen C3281160, MONDO:0013800, OMIM 614557.
FKBP14-related disorders.

Submissions (6):

GeneDx
Classification: Likely pathogenic. Last evaluated: 2026-06-10. Review status: criteria provided, single submitter. Criteria: GeneDx Variant Classification Process June 2021. Collection method: clinical testing. Allele origin: germline.
Comment: Not observed at significant frequency in large population cohorts (gnomAD); Nonsense variant predicted to result in protein truncation as the last 56 amino acid(s) are lost; Has not been previously published as pathogenic or benign to our knowledge

Women's Health and Genetics/Laboratory Corporation of America, LabCorp
Classification: Uncertain significance. Last evaluated: 2025-04-25. Review status: criteria provided, single submitter. Criteria: LabCorp Variant Classification Summary - May 2015. Collection method: clinical testing. Allele origin: germline.
Comment: Variant summary: FKBP14 c.467_468delCT (p.Ser156X) results in a premature termination codon, predicted to cause a truncation of the encoded protein but not expected to undergo nonsense mediated decay. The variant allele was found at a frequency of 8.1e-06 in 246758 control chromosomes (gnomAD). The available data on variant occurrences in the general population are insufficient to allow any conclusion about variant significance. To our knowledge, no occurrence of c.467_468delCT in individuals affected with Ehlers-Danlos syndrome, kyphoscoliotic type, 2 and no experimental evidence demonstrating its impact on protein function have been reported. ClinVar contains an entry for this variant (Variation ID: 521060). Based on the evidence outlined above, the variant was classified as uncertain significance.

Ambry Genetics
Classification: Likely pathogenic for Cardiovascular phenotype. Last evaluated: 2024-02-27. Review status: criteria provided, single submitter. Criteria: Ambry Variant Classification Scheme 2023. Collection method: clinical testing. Allele origin: germline.
Comment: The c.467_468delCT variant, located in coding exon 3 of the FKBP14 gene, results from a deletion of two nucleotides at nucleotide positions 467 to 468, causing a translational frameshift with a predicted alternate stop codon (p.S156*). This alteration occurs at the 3' terminus of theFKBP14 gene, is not expected to trigger nonsense-mediated mRNA decay, and impacts the last 26% of the protein. However, premature stop codons are typically deleterious in nature, a significant portion of the protein is affected, and the impacted region is critical for protein function (Ambry internal data). This variant is considered to be rare based on population cohorts in the Genome Aggregation Database (gnomAD). Based on the majority of available evidence to date, this variant is likely to be pathogenic.

Mayo Clinic Laboratories, Mayo Clinic
Classification: Likely pathogenic. Last evaluated: 2023-02-14. Review status: criteria provided, single submitter. Criteria: ACMG Guidelines, 2015. Collection method: clinical testing. Allele origin: germline. Observed: 2 variant alleles.
Comment: PM2_supporting, PVS1_strong

Labcorp Genetics (formerly Invitae), Labcorp
Classification: Uncertain significance for Ehlers-Danlos syndrome, kyphoscoliotic type, 2. Last evaluated: 2022-08-28. Review status: criteria provided, single submitter. Criteria: Invitae Variant Classification Sherloc (09022015). Collection method: clinical testing. Allele origin: germline.
Comment: This sequence change creates a premature translational stop signal (p.Ser156*) in the FKBP14 gene. While this is not anticipated to result in nonsense mediated decay, it is expected to disrupt the last 56 amino acid(s) of the FKBP14 protein. This variant is present in population databases (rs753775062, gnomAD 0.002%). This variant has not been reported in the literature in individuals affected with FKBP14-related conditions. ClinVar contains an entry for this variant (Variation ID: 521060). In summary, the available evidence is currently insufficient to determine the role of this variant in disease. Therefore, it has been classified as a Variant of Uncertain Significance.

Blueprint Genetics
Classification: Likely pathogenic for FKBP14-related disorders. Last evaluated: 2020-10-15. Review status: criteria provided, single submitter. Criteria: ACMG Guidelines, 2015. Collection method: clinical testing. Allele origin: germline. Affected: yes. Observed: 2 variant alleles.